The following is an entry in ClinVar:

ClinVar aggregate classification (germline): Uncertain significance (1 of 4 stars; one submission).

Allele frequency attached by ClinVar (database versions not stated): gnomAD 0.00001; gnomAD exomes 0.00001; TOPMed 0.00001; ExAC 0.00003.
gnomAD v4.1: 11 of 1,611,874 alleles (0.00068%); highest among the groups gnomAD compares: East Asian, 0.013%; no homozygotes.

Submission:

Labcorp Genetics (formerly Invitae), Labcorp
Classification: Uncertain significance. Last evaluated: 2023-06-09. Review status: criteria provided, single submitter. Criteria: Invitae Variant Classification Sherloc (09022015). Collection method: clinical testing. Allele origin: germline.
Comment: In summary, the available evidence is currently insufficient to determine the role of this variant in disease. Therefore, it has been classified as a Variant of Uncertain Significance. Advanced modeling of protein sequence and biophysical properties (such as structural, functional, and spatial information, amino acid conservation, physicochemical variation, residue mobility, and thermodynamic stability) performed at Invitae indicates that this missense variant is not expected to disrupt NALCN protein function. ClinVar contains an entry for this variant (Variation ID: 2164974). This variant has not been reported in the literature in individuals affected with NALCN-related conditions. This variant is present in population databases (rs777329027, gnomAD 0.03%). This sequence change replaces serine, which is neutral and polar, with leucine, which is neutral and non-polar, at codon 1374 of the NALCN protein (p.Ser1374Leu).

NM_052867.4(NALCN):c.4121C>T (p.Ser1374Leu)

Gene: NALCN (sodium leak channel, non-selective; minus strand). Cytogenetic location: 13q32.3.
Variant type: single nucleotide variant.
Coding change: c.4121C>T on transcript NM_052867.4 (MANE Select); coding-DNA position 4121, C replaced by T.
Protein change: p.Ser1374Leu; replaces serine 1374 with leucine.
Molecular consequence: missense variant.
Genome position (GRCh38, 1-based): chr13:101,073,660, G>A on the plus strand (C>T on the coding strand, the complement: NALCN is on the minus strand). VCF-style: chr13-101073660-G-A. GRCh37 (hg19) VCF-style: chr13-101726012-G-A.
Other names: c.4208C>T, p.Ser1403Leu (NM_001350748.2); c.4121C>T, p.Ser1374Leu (NM_001350749.2); c.4034C>T, p.Ser1345Leu (NM_001350750.2, NM_001350751.2); short protein forms S1374L, S1345L, S1403L.
Identifiers: ClinVar variation 2164974 (VCV002164974.4), dbSNP rs777329027, ClinGen allele CA7035189.